The following is an entry in ClinVar:

ClinVar aggregate classification (germline): Pathogenic. Review status: criteria provided, multiple submitters, no conflicts (2 of 4 stars). 2 submissions from 2 submitters: Pathogenic (2). Last evaluated 2025-07-22.

Conditions:
Arrhythmogenic right ventricular dysplasia 9 (ARVD9). Also called: Arrhythmogenic Right Ventricular Dysplasia/Cardiomyopathy 9; ARRHYTHMOGENIC RIGHT VENTRICULAR DYSPLASIA, FAMILIAL, 9. Identifiers: MedGen C1836906, MONDO:0012180, OMIM 609040.

Submissions (2):

Labcorp Genetics (formerly Invitae), Labcorp
Classification: Pathogenic for Arrhythmogenic right ventricular dysplasia 9. Last evaluated: 2025-07-22. Review status: criteria provided, single submitter. Criteria: Invitae Variant Classification Sherloc (09022015). Collection method: clinical testing. Allele origin: germline.
Comment: This sequence change affects a donor splice site in intron 10 of the PKP2 gene. It is expected to disrupt RNA splicing. Variants that disrupt the donor or acceptor splice site typically lead to a loss of protein function (PMID: 16199547), and loss-of-function variants in PKP2 are known to be pathogenic (PMID: 15489853, 17041889, 23911551). This variant is not present in population databases (gnomAD no frequency). Disruption of this splice site has been observed in individuals with PKP2-related conditions (PMID: 20031617, 31386562). Algorithms developed to predict the effect of sequence changes on RNA splicing suggest that this variant may disrupt the consensus splice site. For these reasons, this variant has been classified as Pathogenic.

Victorian Clinical Genetics Services, Murdoch Childrens Research Institute
Classification: Pathogenic for Arrhythmogenic right ventricular dysplasia 9. Last evaluated: 2024-12-11. Review status: criteria provided, single submitter. Criteria: ACMG Guidelines, 2015. Collection method: clinical testing. Allele origin: germline. Affected: yes.
Comment: This variant is classified as Pathogenic. Evidence in support of pathogenic classification: Canonical splice site variant without proven consequence on splicing (no functional evidence available); Variant is absent from gnomAD (v2, v3 and v4); This variant has limited previous evidence of pathogenicity in an unrelated individual(s). This variant has been reported in an individual with a diagnosis of arrhythmogenic right ventricular dysplasia (PMIDs: 28588093, 23671136); Other splice site variant(s) comparable to the one identified in this case have strong previous evidence for pathogenicity. The c.2145+2T>A variant has been reported in many individuals with arrhythmogenic right ventricular cardiomyopathy from the Unit for Cardiac and Cardiovascular Genetics, Oslo University hospital (PMIDs: 26850880, 35653365). The c.2145+1G>C variant has been classified as likely pathogenic and a VUS by clinical laboratories in ClinVar, and has been reported in the literature in an individual with arrhythmogenic right ventricular cardiomyopathy (PMID: 20031617); Abnormal splicing is predicted by in silico tool and affected nucleotide is highly conserved. Additional information: This variant is heterozygous; This gene is associated with both recessive and dominant disease. Arrhythmogenic right ventricular dysplasia 9 (MIM#609040) is inherited in an autosomal dominant manner while biallelic loss of function variants are associated with severe perinatal and neonatal onset dilated cardiomyopathy (PMIDs: 30562116, 35059364, 38050058); Alternative nucleotide change(s) at the same canonical splice site are present in gnomAD (Highest alelle count: v3: 1 heterozygote(s), 0 homozygote(s)) ; No published segregation evidence has been identified for this variant; No published functional evidence has been identified for this variant; Loss of function is a known mechanism of disease in this gene and is associated with arrhythmogenic right ventricular dysplasia 9 (MIM#609040), and dilated cardiomyopathy, MONDO:0005021, PKP2-related (PanelApp Australia); Arrhythmogenic right ventricular dysplasia 9 associated with this gene has incomplete penetrance (PMIDs: 17010805, 23183494); Variants in this gene that are associated with autosomal dominant arrhythmogenic right ventricular dysplasia 9 (MIM#609040) are known to have variable expressivity (PMIDs: 17010805, 23183494).

Literature cited by the submitters: PubMed 16199547 (cited by Labcorp Genetics (formerly Invitae), Labcorp); PubMed 15489853 (cited by Labcorp Genetics (formerly Invitae), Labcorp); PubMed 17041889 (cited by Labcorp Genetics (formerly Invitae), Labcorp); PubMed 23911551 (cited by Labcorp Genetics (formerly Invitae), Labcorp); PubMed 20031617 (cited by Labcorp Genetics (formerly Invitae), Labcorp and Victorian Clinical Genetics Services, Murdoch Childrens Research Institute); PubMed 31386562 (cited by Labcorp Genetics (formerly Invitae), Labcorp); PubMed 38050058 (cited by Victorian Clinical Genetics Services, Murdoch Childrens Research Institute); PubMed 28588093 (cited by Victorian Clinical Genetics Services, Murdoch Childrens Research Institute); PubMed 35059364 (cited by Victorian Clinical Genetics Services, Murdoch Childrens Research Institute); PubMed 26850880 (cited by Victorian Clinical Genetics Services, Murdoch Childrens Research Institute); PubMed 23671136 (cited by Victorian Clinical Genetics Services, Murdoch Childrens Research Institute); PubMed 35653365 (cited by Victorian Clinical Genetics Services, Murdoch Childrens Research Institute); PubMed 30562116 (cited by Victorian Clinical Genetics Services, Murdoch Childrens Research Institute); PubMed 17010805 (cited by Victorian Clinical Genetics Services, Murdoch Childrens Research Institute); PubMed 23183494 (cited by Victorian Clinical Genetics Services, Murdoch Childrens Research Institute).

NM_001005242.3(PKP2):c.2013+1G>A

Gene: PKP2 (plakophilin 2; minus strand). Cytogenetic location: 12p11.21.
Variant type: single nucleotide variant.
Coding change: c.2013+1G>A on transcript NM_001005242.3 (MANE Select); the canonical splice donor site of the intron after coding-DNA position 2013, G replaced by A.
Molecular consequence: splice donor variant. On other transcripts: missense variant (3).
Genome position (GRCh38, 1-based): chr12:32,821,355, C>T on the plus strand (G>A on the coding strand, the complement: PKP2 is on the minus strand). VCF-style: chr12-32821355-C-T. GRCh37 (hg19) VCF-style: chr12-32974289-C-T.
Other names: c.2146G>A, p.Val716Met (NM_001407157.1); c.2014G>A, p.Val672Met (NM_001407161.1); c.1687G>A, p.Val563Met (NM_001407162.1); c.1848+1G>A (NM_001407156.1); c.2013+1G>A (NM_001407155.1); c.2145+1G>A (NM_004572.4); c.1686+1G>A (NM_001407160.1, NM_001407159.1, NM_001407158.1); short protein forms V563M, V672M, V716M.
Identifiers: ClinVar variation 4531398 (VCV004531398.2).